The following is an entry in ClinVar:

NM_000092.5(COL4A4):c.232C>A (p.Pro78Thr)

Gene: COL4A4 (collagen type IV alpha 4 chain; minus strand). Cytogenetic location: 2q36.3.
Variant type: single nucleotide variant.
Coding change: c.232C>A on transcript NM_000092.5 (MANE Select); coding-DNA position 232, C replaced by A.
Protein change: p.Pro78Thr; replaces proline 78 with threonine.
Molecular consequence: missense variant.
Genome position (GRCh38, 1-based): chr2:227,121,109, G>T on the plus strand (C>A on the coding strand, the complement: COL4A4 is on the minus strand). VCF-style: chr2-227121109-G-T. GRCh37 (hg19) VCF-style: chr2-227985825-G-T.
Other names: short protein forms P78T.
Identifiers: ClinVar variation 3364856 (VCV003364856.1).
Genomic context (GRCh38, chr2:227,121,109, plus strand): 5'-CGCGGTCCCCTCTCATTCCTTTCTCTCCTGAAAGCCCAATGGGTCCTGGGGCTCCCAGGG[G>T]TCCAATTGGACCCTGTGGCCCTGGTGGTCCTGGTGGACCCTGAGAAGGAAGATTAAAAAG-3'
Protein context (NP_000083.3, residues 68-88): GPPGPQGPIG[Pro78Thr]LGAPGPIGLS

ClinVar aggregate classification (germline): Uncertain significance (1 of 4 stars; one submission).

gnomAD v4.1: 20 of 1,613,984 alleles (0.0012%); highest among the groups gnomAD compares: Non-Finnish European, 0.0016%; no homozygotes.

Submission:

GeneDx
Classification: Uncertain significance. Last evaluated: 2023-11-29. Review status: criteria provided, single submitter. Criteria: GeneDx Variant Classification Process June 2021. Collection method: clinical testing. Allele origin: germline. Affected: yes.
Comment: In silico analysis supports that this missense variant has a deleterious effect on protein structure/function; Has not been previously published as pathogenic or benign to our knowledge